The following is an entry in ClinVar:

ClinVar aggregate classification (germline): Uncertain significance (0 of 4 stars; one submission).

Conditions:
MYCN-related disorder. Also called: MYCN-related condition.

Submission:

PreventionGenetics, part of Exact Sciences
Classification: Uncertain significance for MYCN-related condition. Last evaluated: 2024-06-10. Review status: no assertion criteria provided. Collection method: clinical testing. Allele origin: germline.
Comment: The MYCN c.1016T>G variant is predicted to result in the amino acid substitution p.Val339Gly. To our knowledge, this variant has not been reported in the literature or in a large population database, indicating this variant is rare. Although we suspect that this variant may be pathogenic, at this time, the clinical significance of this variant is uncertain due to the absence of conclusive functional and genetic evidence.

NM_005378.6(MYCN):c.1016T>G (p.Val339Gly)

Gene: MYCN (MYCN proto-oncogene, bHLH transcription factor; plus strand). Cytogenetic location: 2p24.3.
Variant type: single nucleotide variant.
Coding change: c.1016T>G on transcript NM_005378.6 (MANE Select); coding-DNA position 1016, T replaced by G.
Protein change: p.Val339Gly; replaces valine 339 with glycine.
Molecular consequence: missense variant. On other transcripts: 3 prime UTR variant (1).
Genome position (GRCh38, 1-based): chr2:15,945,718, T>G. VCF-style: chr2-15945718-T-G. GRCh37 (hg19) VCF-style: chr2-16085840-T-G.
Other names: c.1016T>G, p.Val339Gly (NM_001293228.2); c.383T>G, p.Val128Gly (NM_001293231.2); c.*951T>G (NM_001293233.2); short protein forms V128G, V339G.
Identifiers: ClinVar variation 3347235 (VCV003347235.1).